The following is an entry in ClinVar:

NM_015295.3(SMCHD1):c.2998G>A (p.Val1000Ile)

Gene: SMCHD1 (structural maintenance of chromosomes flexible hinge domain containing 1; plus strand). Cytogenetic location: 18p11.32.
Variant type: single nucleotide variant.
Coding change: c.2998G>A on transcript NM_015295.3 (MANE Select); coding-DNA position 2998, G replaced by A.
Protein change: p.Val1000Ile; replaces valine 1000 with isoleucine.
Molecular consequence: missense variant.
Genome position (GRCh38, 1-based): chr18:2,729,359, G>A. VCF-style: chr18-2729359-G-A. GRCh37 (hg19) VCF-style: chr18-2729357-G-A.
Other names: short protein forms V1000I.
Identifiers: ClinVar variation 3669958 (VCV003669958.2).
Genomic context (GRCh38, chr18:2,729,359, plus strand): 5'-GTCTATGTTGTAGATTGCAGTAGTTCTGGAACCAGTATTTTAACAGGATCTGCAATTCAA[G>A]TTCAGAATATTAAAAAAGACCAGACGCTTAAAGCAAGAATTGAAATACCTGTAAGTTATT-3'
Protein context (NP_056110.2, residues 990-1010): TSILTGSAIQ[Val1000Ile]QNIKKDQTLK

ClinVar aggregate classification (germline): Uncertain significance (1 of 4 stars; one submission).

Conditions:
Facioscapulohumeral muscular dystrophy 2 (FSHD2). Also called: MUSCULAR DYSTROPHY, FACIOSCAPULOHUMERAL, TYPE 1B; FACIOSCAPULOHUMERAL MUSCULAR DYSTROPHY 2, DIGENIC; FSHD2, DIGENIC. Identifiers: Orphanet 269, MedGen C1834671, MONDO:0008031, OMIM 158901.

Submission:

Labcorp Genetics (formerly Invitae), Labcorp
Classification: Uncertain significance for Facioscapulohumeral muscular dystrophy 2. Last evaluated: 2025-01-15. Review status: criteria provided, single submitter. Criteria: Invitae Variant Classification Sherloc (09022015). Collection method: clinical testing. Allele origin: germline.
Comment: This sequence change replaces valine, which is neutral and non-polar, with isoleucine, which is neutral and non-polar, at codon 1000 of the SMCHD1 protein (p.Val1000Ile). This variant is not present in population databases (gnomAD no frequency). This variant has not been reported in the literature in individuals affected with SMCHD1-related conditions. Invitae Evidence Modeling of protein sequence and biophysical properties (such as structural, functional, and spatial information, amino acid conservation, physicochemical variation, residue mobility, and thermodynamic stability) indicates that this missense variant is not expected to disrupt SMCHD1 protein function with a negative predictive value of 80%. In summary, the available evidence is currently insufficient to determine the role of this variant in disease. Therefore, it has been classified as a Variant of Uncertain Significance.